The following is an entry in ClinVar:

ClinVar aggregate classification (germline): Conflicting classifications of pathogenicity. Review status: criteria provided, conflicting classifications (1 of 4 stars). 6 submissions from 6 submitters: Uncertain significance (5); Likely benign (1). Last evaluated 2024-04-11.

Conditions:
Hereditary cancer-predisposing syndrome. Also called: Tumor predisposition; Neoplastic Syndromes, Hereditary; Hereditary Cancer Syndrome; Hereditary neoplastic syndrome. Identifiers: Orphanet 140162, MedGen C0027672, MeSH D009386, MONDO:0015356.
Hereditary breast ovarian cancer syndrome. Also called: Hereditary breast and ovarian cancer; Hereditary breast and ovarian cancer syndrome (HBOC); BRCA1- and BRCA2-Associated Hereditary Breast and Ovarian Cancer; Breast and ovarian cancer; Hereditary breast and ovarian cancer syndrome; Hereditary breast and/or ovarian cancer syndrome. Identifiers: Orphanet 145, MedGen C0677776, MeSH D061325, MONDO:0003582. Disease mechanism: loss of function.
Breast-ovarian cancer, familial, susceptibility to, 2 (BROVCA2). Also called: BRCA2 Hereditary Breast and Ovarian Cancer. Identifiers: Orphanet 145, MedGen C2675520, MONDO:0012933, OMIM 612555. Disease mechanism: loss of function.
Familial cancer of breast. Also called: BREAST CANCER, FAMILIAL; hereditary breast carcinoma; Hereditary breast cancer. Identifiers: Orphanet 227535, MedGen C0346153, MONDO:0016419, OMIM 114480. Disease mechanism: loss of function.

Allele frequency attached by ClinVar (database versions not stated): gnomAD exomes below 0.00001; TOPMed 0.00001.
gnomAD v4.1: 1 of 1,609,810 alleles (0.000062%); highest among the groups gnomAD compares: Non-Finnish European, 0.000085%; no homozygotes.

Submissions (6):

Ambry Genetics
Classification: Uncertain significance for Hereditary cancer-predisposing syndrome. Last evaluated: 2024-04-11. Review status: criteria provided, single submitter. Criteria: Ambry Variant Classification Scheme 2023. Collection method: clinical testing. Allele origin: germline.
Comment: The p.Q2345E variant (also known as c.7033C>G), located in coding exon 13 of the BRCA2 gene, results from a C to G substitution at nucleotide position 7033. The glutamine at codon 2345 is replaced by glutamic acid, an amino acid with highly similar properties. This variant was identified in a cohort of 826 unselected Chinese ovarian cancer patients (Wu X et al. Int J Gynecol Cancer, 2017 Oct;27:1650-1657). This amino acid position is not well conserved in available vertebrate species. In addition, the in silico prediction for this alteration is inconclusive. Based on the available evidence, the clinical significance of this variant remains unclear.

MGZ Medical Genetics Center
Classification: Likely benign for Familial cancer of breast. Last evaluated: 2024-02-09. Review status: criteria provided, single submitter. Criteria: CSpec BRCA1/2ACMG Rules Specifications V1.1.0. Collection method: clinical testing. Allele origin: germline. Affected: yes.
Comment: ACMG codes applied following ENIGMA VCEP rules: BP1_STR, PM2_SUP

Quest Diagnostics Nichols Institute San Juan Capistrano
Classification: Uncertain significance. Last evaluated: 2024-01-23. Review status: criteria provided, single submitter. Criteria: Quest Diagnostics criteria. Collection method: clinical testing. Allele origin: unknown.
Comment: The BRCA2 c.7033C>G (p.Gln2345Glu) variant has been reported in the published literature in in an individual with ovarian cancer (PMID: 28692638 (2017)). This variant has identified in reportedly healthy individuals (PMID: 32467295 (2020), 33471991 (2021), see also LOVD). This variant has not been reported in large, multi-ethnic general populations (Genome Aggregation Database). Analysis of this variant using bioinformatics tools for the prediction of the effect of amino acid changes on protein structure and function yielded predictions that this variant is benign. Based on the available information, we are unable to determine the clinical significance of this variant.

All of Us Research Program, National Institutes of Health
Classification: Uncertain significance for Breast-ovarian cancer, familial, susceptibility to, 2. Last evaluated: 2023-12-18. Review status: criteria provided, single submitter. Criteria: ACMG Guidelines, 2015. Collection method: clinical testing. Allele origin: germline. Inheritance: Autosomal dominant inheritance. Observed: 1 variant allele, 1 heterozygote.
Comment: This missense variant replaces glutamine with glutamic acid at codon 2345 of the BRCA2 protein. Computational prediction suggests that this variant may not impact protein structure and function (internally defined REVEL score threshold <= 0.5, PMID: 27666373). Functional studies have shown that this variant does not impact drug sensitivity or cell viability in mouse embryonic stem cells (PMID: 37922907). This variant has been reported in an individual affected with ovarian cancer (PMID: 28692638) and in an unaffected individual (PMID: 33471991; Leiden Open Variation Database DB-ID BRCA2_006914). This variant has not been identified in the general population by the Genome Aggregation Database (gnomAD). The available evidence is insufficient to determine the role of this variant in disease conclusively. Therefore, this variant is classified as a Variant of Uncertain Significance.

This study involves interpretation of variants in research participants for the purpose of population health screening. Participant phenotype was not available at the time of variant classification. Additional details can be found in publication PMID: 35346344, PMCID: PMC8962531

Color Diagnostics, LLC DBA Color Health
Classification: Uncertain significance for Hereditary cancer-predisposing syndrome. Last evaluated: 2023-11-27. Review status: criteria provided, single submitter. Criteria: ACMG Guidelines, 2015. Collection method: clinical testing. Allele origin: germline.
Comment: This missense variant replaces glutamine with glutamic acid at codon 2345 of the BRCA2 protein. Computational prediction suggests that this variant may not impact protein structure and function (internally defined REVEL score threshold <= 0.5, PMID: 27666373). Functional studies have shown that this variant does not impact drug sensitivity or cell viability in mouse embryonic stem cells (PMID: 37922907). This variant has been reported in an individual affected with ovarian cancer (PMID: 28692638) and in an unaffected individual (PMID: 33471991; Leiden Open Variation Database DB-ID BRCA2_006914). This variant has not been identified in the general population by the Genome Aggregation Database (gnomAD). The available evidence is insufficient to determine the role of this variant in disease conclusively. Therefore, this variant is classified as a Variant of Uncertain Significance.

Labcorp Genetics (formerly Invitae), Labcorp
Classification: Uncertain significance for Hereditary breast ovarian cancer syndrome. Last evaluated: 2022-01-24. Review status: criteria provided, single submitter. Criteria: Invitae Variant Classification Sherloc (09022015). Collection method: clinical testing. Allele origin: germline.
Comment: This sequence change replaces glutamine, which is neutral and polar, with glutamic acid, which is acidic and polar, at codon 2345 of the BRCA2 protein (p.Gln2345Glu). This variant is not present in population databases (gnomAD no frequency). This missense change has been observed in individual(s) with ovarian cancer (PMID: 28692638). ClinVar contains an entry for this variant (Variation ID: 489777). Advanced modeling of protein sequence and biophysical properties (such as structural, functional, and spatial information, amino acid conservation, physicochemical variation, residue mobility, and thermodynamic stability) performed at Invitae indicates that this missense variant is not expected to disrupt BRCA2 protein function. In summary, the available evidence is currently insufficient to determine the role of this variant in disease. Therefore, it has been classified as a Variant of Uncertain Significance.

Literature cited by the submitters: PubMed 28692638 (cited by 5 submitters); PubMed 30702160 (cited by Quest Diagnostics Nichols Institute San Juan Capistrano); PubMed 33471991 (cited by 3 submitters); PubMed 32467295 (cited by Quest Diagnostics Nichols Institute San Juan Capistrano); PubMed 37922907 (cited by All of Us Research Program, National Institutes of Health and Color Diagnostics, LLC DBA Color Health).

NM_000059.4(BRCA2):c.7033C>G (p.Gln2345Glu)

Gene: BRCA2 (BRCA2 DNA repair associated; plus strand). Cytogenetic location: 13q13.1.
Variant type: single nucleotide variant.
Coding change: c.7033C>G on transcript NM_000059.4 (MANE Select); coding-DNA position 7033, C replaced by G.
Protein change: p.Gln2345Glu; replaces glutamine 2345 with glutamic acid.
Molecular consequence: missense variant.
Genome position (GRCh38, 1-based): chr13:32,354,886, C>G. VCF-style: chr13-32354886-C-G. GRCh37 (hg19) VCF-style: chr13-32929023-C-G.
Other names: short protein forms Q2345E.
Identifiers: ClinVar variation 489777 (VCV000489777.19), dbSNP rs886040685, ClinGen allele CA387738116.